The following is an entry in ClinVar:

ClinVar aggregate classification (germline): Uncertain significance (1 of 4 stars; one submission).

Conditions:
Arrhythmogenic right ventricular cardiomyopathy (ARVD). Also called: Arrhythmogenic right ventricular dysplasia; Cardiomyopathy, ARVC; Arrhythmogenic cardiomyopathy; Arrhythmogenic Right Ventricular Cardiomyopathy (ARVC). Identifiers: Orphanet 247, MedGen C0349788, MeSH D019571, MONDO:0016587. Disease mechanism: loss of function. Inheritance: Various modes of inheritance.

Submission:

All of Us Research Program, National Institutes of Health
Classification: Uncertain significance for Arrhythmogenic right ventricular cardiomyopathy. Last evaluated: 2024-07-29. Review status: criteria provided, single submitter. Criteria: ACMG Guidelines, 2015. Collection method: clinical testing. Allele origin: germline. Inheritance: Autosomal dominant inheritance. Observed: 1 variant allele, 1 heterozygote.
Comment: This missense variant replaces asparagine with lysine at codon 392 of the PKP2 protein. Computational prediction suggests that this variant may not impact protein structure and function (internally defined REVEL score threshold <= 0.5, PMID: 27666373). To our knowledge, functional studies have not been reported for this variant. This variant has not been reported in individuals affected with PKP2-related disorders in the literature. This variant has not been identified in the general population by the Genome Aggregation Database (gnomAD). The available evidence is insufficient to determine the role of this variant in disease conclusively. Therefore, this variant is classified as a Variant of Uncertain Significance.

This study involves interpretation of variants in research participants for the purpose of population health screening. Participant phenotype was not available at the time of variant classification. Additional details can be found in publication PMID: 35346344, PMCID: PMC8962531

NM_001005242.3(PKP2):c.1176C>G (p.Asn392Lys)

Gene: PKP2 (plakophilin 2; minus strand). Cytogenetic location: 12p11.21.
Variant type: single nucleotide variant.
Coding change: c.1176C>G on transcript NM_001005242.3 (MANE Select); coding-DNA position 1176, C replaced by G.
Protein change: p.Asn392Lys; replaces asparagine 392 with lysine.
Molecular consequence: missense variant.
Genome position (GRCh38, 1-based): chr12:32,850,968, G>C on the plus strand (C>G on the coding strand, the complement: PKP2 is on the minus strand). VCF-style: chr12-32850968-G-C. GRCh37 (hg19) VCF-style: chr12-33003902-G-C.
Other names: c.1176C>G, p.Asn392Lys (NM_001407161.1, NM_004572.4, NM_001407155.1 and 2 more transcripts); c.849C>G, p.Asn283Lys (NM_001407162.1, NM_001407158.1, NM_001407159.1 and 1 more transcripts); short protein forms N283K, N392K.
Identifiers: ClinVar variation 3387486 (VCV003387486.1).